The following is an entry in ClinVar:

ClinVar aggregate classification (germline): Benign/Likely benign. Review status: criteria provided, multiple submitters, no conflicts (2 of 4 stars). 5 submissions from 5 submitters: Benign (4); Likely benign (1). Last evaluated 2026-09-01.

Conditions:
Inborn genetic diseases. Identifiers: MedGen C0950123, MeSH D030342.

Allele frequency attached by ClinVar (database versions not stated): gnomAD exomes 0.00609 and 0.01017; ExAC 0.00642; TOPMed 0.00671; gnomAD 0.00675 and 0.00690; ESP Exome Variant Server 0.00723; 1000 Genomes Project 0.00220; 1000 Genomes Project 30x 0.00250.
gnomAD v4.1: 15,747 of 1,613,776 alleles (0.98%); highest among the groups gnomAD compares: Non-Finnish European, 1.2%; 89 homozygotes.

Submissions (5):

CeGaT Center for Human Genetics Tuebingen
Classification: Benign. Last evaluated: 2026-09-01. Review status: criteria provided, single submitter. Criteria: CeGaT Center For Human Genetics Tuebingen Variant Classification Criteria Version 2. Collection method: clinical testing. Allele origin: germline. Affected: yes. Observed: 34 variant alleles.
Comment: LAMA1: BS1, BS2

Labcorp Genetics (formerly Invitae), Labcorp
Classification: Benign. Last evaluated: 2026-01-24. Review status: criteria provided, single submitter. Criteria: Invitae Variant Classification Sherloc (09022015). Collection method: clinical testing. Allele origin: germline.

Mayo Clinic Laboratories, Mayo Clinic
Classification: Benign. Last evaluated: 2023-04-19. Review status: criteria provided, single submitter. Criteria: ACMG Guidelines, 2015. Collection method: clinical testing. Allele origin: germline. Observed: 13 variant alleles.
Comment: BS1, BS2, PP3

Ambry Genetics
Classification: Likely benign for Inborn genetic diseases. Last evaluated: 2021-11-29. Review status: criteria provided, single submitter. Criteria: Ambry Variant Classification Scheme 2023. Collection method: clinical testing. Allele origin: germline.

Breakthrough Genomics
Classification: Benign. Review status: criteria provided, single submitter. Criteria: ACMG Guidelines, 2015. Collection method: not provided. Allele origin: germline. Inheritance: Autosomal recessive inheritance. Affected: yes.

NM_005559.4(LAMA1):c.674G>A (p.Arg225His)

Gene: LAMA1 (laminin subunit alpha 1; minus strand). Cytogenetic location: 18p11.31.
Variant type: single nucleotide variant.
Coding change: c.674G>A on transcript NM_005559.4 (MANE Select); coding-DNA position 674, G replaced by A.
Protein change: p.Arg225His; replaces arginine 225 with histidine.
Molecular consequence: missense variant.
Genome position (GRCh38, 1-based): chr18:7,049,172, C>T on the plus strand (G>A on the coding strand, the complement: LAMA1 is on the minus strand). VCF-style: chr18-7049172-C-T. GRCh37 (hg19) VCF-style: chr18-7049171-C-T.
Other names: p.Arg225His; short protein forms R225H.
Identifiers: ClinVar variation 775113 (VCV000775113.43), dbSNP rs140718292, ClinGen allele CA8883226.